The following is an entry in ClinVar:

ClinVar aggregate classification (germline): Pathogenic (1 of 4 stars; one submission).

gnomAD v4.1: 4 of 1,613,704 alleles (0.00025%); highest among the groups gnomAD compares: Non-Finnish European, 0.00034%; no homozygotes.

Submission:

Labcorp Genetics (formerly Invitae), Labcorp
Classification: Pathogenic. Last evaluated: 2022-07-19. Review status: criteria provided, single submitter. Criteria: Invitae Variant Classification Sherloc (09022015). Collection method: clinical testing. Allele origin: germline.
Comment: For these reasons, this variant has been classified as Pathogenic. Algorithms developed to predict the effect of sequence changes on RNA splicing suggest that this variant may disrupt the consensus splice site. ClinVar contains an entry for this variant (Variation ID: 1492118). Disruption of this splice site has been observed in individuals with autosomal recessive osteopetrosis (PMID: 22231430, 25829125; Invitae). This variant is not present in population databases (gnomAD no frequency). This sequence change affects a donor splice site in intron 11 of the TCIRG1 gene. It is expected to disrupt RNA splicing. Variants that disrupt the donor or acceptor splice site typically lead to a loss of protein function (PMID: 16199547), and loss-of-function variants in TCIRG1 are known to be pathogenic (PMID: 10888887, 10942435, 11532986, 19448635).

Literature cited by the submitters: PubMed 22231430; PubMed 25829125; PubMed 16199547; PubMed 10888887; PubMed 10942435; PubMed 11532986; PubMed 19448635.

NM_006019.4(TCIRG1):c.1305+1G>A

Gene: TCIRG1 (T cell immune regulator 1, ATPase H+ transporting V0 subunit a3; plus strand). Cytogenetic location: 11q13.2.
Variant type: single nucleotide variant.
Coding change: c.1305+1G>A on transcript NM_006019.4 (MANE Select); the canonical splice donor site of the intron after coding-DNA position 1305, G replaced by A.
Molecular consequence: splice donor variant.
Genome position (GRCh38, 1-based): chr11:68,047,573, G>A. VCF-style: chr11-68047573-G-A. GRCh37 (hg19) VCF-style: chr11-67815040-G-A.
Other names: c.411+1G>A (NM_001351059.2); c.657+1G>A (NM_006053.4).
Identifiers: ClinVar variation 1492118 (VCV001492118.8), dbSNP rs2134454644, ClinGen allele CA381582481.